The following is an entry in ClinVar:

ClinVar aggregate classification (germline): Uncertain significance. Review status: criteria provided, multiple submitters, no conflicts (2 of 4 stars). 2 submissions from 2 submitters: Uncertain significance (2). Last evaluated 2025-05-03.

Conditions:
Cardiovascular phenotype. Identifiers: MedGen CN230736.
RASopathy. Also called: rasopathies; Noonan spectrum disorder. Identifiers: Orphanet 536391, MedGen C5555857, MONDO:0021060.

Allele frequency attached by ClinVar (database versions not stated): TOPMed below 0.00001; ExAC 0.00001; gnomAD 0.00001; gnomAD exomes 0.00001.
gnomAD v4.1: 4 of 1,613,588 alleles (0.00025%); highest among the groups gnomAD compares: South Asian, 0.0011%; no homozygotes.

Submissions (2):

Ambry Genetics
Classification: Uncertain significance for Cardiovascular phenotype. Last evaluated: 2025-05-03. Review status: criteria provided, single submitter. Criteria: Ambry Variant Classification Scheme 2023. Collection method: clinical testing. Allele origin: germline.
Comment: The p.Y235C variant (also known as c.704A>G), located in coding exon 4 of the CBL gene, results from an A to G substitution at nucleotide position 704. The tyrosine at codon 235 is replaced by cysteine, an amino acid with highly dissimilar properties. This amino acid position is conserved. In addition, this alteration is predicted to be deleterious by in silico analysis. Based on the available evidence, the clinical significance of this variant remains unclear.

Labcorp Genetics (formerly Invitae), Labcorp
Classification: Uncertain significance for RASopathy. Last evaluated: 2024-06-15. Review status: criteria provided, single submitter. Criteria: Invitae Variant Classification Sherloc (09022015). Collection method: clinical testing. Allele origin: germline.
Comment: This sequence change replaces tyrosine, which is neutral and polar, with cysteine, which is neutral and slightly polar, at codon 235 of the CBL protein (p.Tyr235Cys). This variant is present in population databases (rs765486534, gnomAD 0.0009%). This variant has not been reported in the literature in individuals affected with CBL-related conditions. Advanced modeling of protein sequence and biophysical properties (such as structural, functional, and spatial information, amino acid conservation, physicochemical variation, residue mobility, and thermodynamic stability) performed at Invitae indicates that this missense variant is expected to disrupt CBL protein function with a positive predictive value of 95%. In summary, the available evidence is currently insufficient to determine the role of this variant in disease. Therefore, it has been classified as a Variant of Uncertain Significance.

NM_005188.4(CBL):c.704A>G (p.Tyr235Cys)

Gene: CBL (Cbl proto-oncogene; plus strand). Cytogenetic location: 11q23.3.
Variant type: single nucleotide variant.
Coding change: c.704A>G on transcript NM_005188.4 (MANE Select); coding-DNA position 704, A replaced by G.
Protein change: p.Tyr235Cys; replaces tyrosine 235 with cysteine.
Molecular consequence: missense variant.
Genome position (GRCh38, 1-based): chr11:119,273,981, A>G. VCF-style: chr11-119273981-A-G. GRCh37 (hg19) VCF-style: chr11-119144691-A-G.
Other names: c.704A>G (NM_005188.2); short protein forms Y235C.
Identifiers: ClinVar variation 2954743 (VCV002954743.4), dbSNP rs765486534, ClinGen allele CA6318326.